The following is an entry in ClinVar:

ClinVar aggregate classification (germline): Uncertain significance (1 of 4 stars; one submission).

Conditions:
Dyskeratosis congenita, autosomal dominant 2. Identifiers: MedGen C3151443, MONDO:0013521, OMIM 613989.
Idiopathic Pulmonary Fibrosis. Also called: Idiopathic fibrosing alveolitis, chronic form; idiopathic fibrosing alveolitis. Identifiers: Orphanet 2032, MedGen C1800706, MeSH D054990, MONDO:0800504.

Submission:

Labcorp Genetics (formerly Invitae), Labcorp
Classification: Uncertain significance for Dyskeratosis congenita, autosomal dominant 2; Idiopathic Pulmonary Fibrosis. Last evaluated: 2019-06-13. Review status: criteria provided, single submitter. Criteria: Invitae Variant Classification Sherloc (09022015). Collection method: clinical testing. Allele origin: germline.
Comment: This sequence change replaces tyrosine with cysteine at codon 638 of the TERT protein (p.Tyr638Cys). The tyrosine residue is weakly conserved and there is a large physicochemical difference between tyrosine and cysteine. This variant is not present in population databases (ExAC no frequency) and has not been reported in the literature in individuals with a TERT-related disease. Algorithms developed to predict the effect of missense changes on protein structure and function output the following: SIFT: "Tolerated"; PolyPhen-2: "Benign"; Align-GVGD: "Class C0". The cysteine amino acid residue is found in multiple mammalian species, suggesting that this missense change does not adversely affect protein function. These predictions have not been confirmed by published functional studies. In summary, this variant is a novel missense change that is not predicted to affect protein function. There is no indication that it causes disease, but the available evidence is currently insufficient to prove that conclusively. Therefore, it has been classified as a Variant of Uncertain Significance.

NM_198253.3(TERT):c.1913A>G (p.Tyr638Cys)

Gene: TERT (telomerase reverse transcriptase; minus strand). Cytogenetic location: 5p15.33.
Variant type: single nucleotide variant.
Coding change: c.1913A>G on transcript NM_198253.3 (MANE Select); coding-DNA position 1913, A replaced by G.
Protein change: p.Tyr638Cys; replaces tyrosine 638 with cysteine.
Molecular consequence: missense variant. On other transcripts: non-coding transcript variant (2).
Genome position (GRCh38, 1-based): chr5:1,280,195, T>C on the plus strand (A>G on the coding strand, the complement: TERT is on the minus strand). VCF-style: chr5-1280195-T-C. GRCh37 (hg19) VCF-style: chr5-1280310-T-C.
Other names: c.1913A>G, p.Tyr638Cys (NM_001193376.3); short protein forms Y638C.
Identifiers: ClinVar variation 471835 (VCV000471835.11), dbSNP rs1554041073, ClinGen allele CA359081268.